The following is an entry in ClinVar:

NM_000419.5(ITGA2B):c.1198G>A (p.Asp400Asn)

Gene: ITGA2B (integrin subunit alpha 2b; minus strand). Cytogenetic location: 17q21.31.
Variant type: single nucleotide variant.
Coding change: c.1198G>A on transcript NM_000419.5 (MANE Select); coding-DNA position 1198, G replaced by A.
Protein change: p.Asp400Asn; replaces aspartic acid 400 with asparagine.
Molecular consequence: missense variant.
Genome position (GRCh38, 1-based): chr17:44,383,505, C>T on the plus strand (G>A on the coding strand, the complement: ITGA2B is on the minus strand). VCF-style: chr17-44383505-C-T. GRCh37 (hg19) VCF-style: chr17-42460873-C-T.
Other names: short protein forms D400N.
Identifiers: ClinVar variation 2858206 (VCV002858206.3), dbSNP rs2510082106, ClinGen allele CA399804288.

ClinVar aggregate classification (germline): Uncertain significance (1 of 4 stars; one submission).

Conditions:
Glanzmann thrombasthenia. Also called: THROMBASTHENIA OF GLANZMANN AND NAEGELI; BLEEDING DISORDER, PLATELET-TYPE, 2; PLATELET GLYCOPROTEIN IIb-IIIa DEFICIENCY; Thrombasthenia; Glanzmann's thrombasthenia. Identifiers: Orphanet 849, MedGen C0040015, MONDO:0100326.

Submission:

Labcorp Genetics (formerly Invitae), Labcorp
Classification: Uncertain significance for Glanzmann thrombasthenia. Last evaluated: 2023-12-06. Review status: criteria provided, single submitter. Criteria: Invitae Variant Classification Sherloc (09022015). Collection method: clinical testing. Allele origin: germline.
Comment: This sequence change replaces aspartic acid, which is acidic and polar, with asparagine, which is neutral and polar, at codon 400 of the ITGA2B protein (p.Asp400Asn). This variant is not present in population databases (gnomAD no frequency). This variant has not been reported in the literature in individuals affected with ITGA2B-related conditions. Advanced modeling of protein sequence and biophysical properties (such as structural, functional, and spatial information, amino acid conservation, physicochemical variation, residue mobility, and thermodynamic stability) performed at Invitae indicates that this missense variant is not expected to disrupt ITGA2B protein function with a negative predictive value of 80%. In summary, the available evidence is currently insufficient to determine the role of this variant in disease. Therefore, it has been classified as a Variant of Uncertain Significance.